The following is an entry in ClinVar:

ClinVar aggregate classification (germline): Uncertain significance (1 of 4 stars; one submission).

Allele frequency attached by ClinVar (database versions not stated): gnomAD exomes below 0.00001; ExAC 0.00001; gnomAD 0.00003.
gnomAD v4.1: 9 of 1,612,752 alleles (0.00056%); highest among the groups gnomAD compares: Non-Finnish European, 0.00076%; no homozygotes.

Submission:

Labcorp Genetics (formerly Invitae), Labcorp
Classification: Uncertain significance. Last evaluated: 2022-05-07. Review status: criteria provided, single submitter. Criteria: Invitae Variant Classification Sherloc (09022015). Collection method: clinical testing. Allele origin: germline.
Comment: In summary, the available evidence is currently insufficient to determine the role of this variant in disease. Therefore, it has been classified as a Variant of Uncertain Significance. Algorithms developed to predict the effect of sequence changes on RNA splicing suggest that this variant may disrupt the consensus splice site. Algorithms developed to predict the effect of missense changes on protein structure and function are either unavailable or do not agree on the potential impact of this missense change (SIFT: "Not Available"; PolyPhen-2: "Possibly Damaging"; Align-GVGD: "Not Available"). This variant has not been reported in the literature in individuals affected with MYO18B-related conditions. This variant is present in population databases (rs745379308, gnomAD 0.004%). This sequence change replaces aspartic acid, which is acidic and polar, with valine, which is neutral and non-polar, at codon 1516 of the MYO18B protein (p.Asp1516Val).

NM_032608.7(MYO18B):c.4547A>T (p.Asp1516Val)

Genes: MYO18B (myosin XVIIIB; plus strand), MYO18B-AS1 (MYO18B antisense RNA 1; minus strand). Cytogenetic location: 22q12.1.
Variant type: single nucleotide variant.
Coding change: c.4547A>T on transcript NM_032608.7 (MANE Select); coding-DNA position 4547, A replaced by T.
Protein change: p.Asp1516Val; replaces aspartic acid 1516 with valine.
Molecular consequence: missense variant.
Genome position (GRCh38, 1-based): chr22:25,895,159, A>T. VCF-style: chr22-25895159-A-T. GRCh37 (hg19) VCF-style: chr22-26291126-A-T.
Other names: c.4550A>T, p.Asp1517Val (NM_001318245.2); short protein forms D1516V, D1517V.
Identifiers: ClinVar variation 1947150 (VCV001947150.5), dbSNP rs745379308, ClinGen allele CA10160915.
Genomic context (GRCh38, chr22:25,895,159, plus strand): 5'-CTCTTGCCTTACACTCATTTGGCCTCTTATCCTGGTCTCCCTGACTCCGTTAAACAGCAG[A>T]CGAGTGGCAGATGCGCTTCGACTGTGCTCAGATGGAGAACGAGTTCCTCAGAAAGCGTCT-3'
Protein context (NP_115997.5, residues 1506-1526): DLERNPTGGA[Asp1516Val]EWQMRFDCAQ